The following is an entry in ClinVar:

ClinVar aggregate classification (germline): Pathogenic (1 of 4 stars; one submission).

Submission:

Labcorp Genetics (formerly Invitae), Labcorp
Classification: Pathogenic. Last evaluated: 2025-11-07. Review status: criteria provided, single submitter. Criteria: Invitae Variant Classification Sherloc (09022015). Collection method: clinical testing. Allele origin: germline.
Comment: This sequence change creates a premature translational stop signal (p.Thr369Leufs*28) in the CUL3 gene. It is expected to result in an absent or disrupted protein product. Loss-of-function variants in CUL3 are known to be pathogenic (PMID: 32341456). This variant is not present in population databases (gnomAD no frequency). This variant has not been reported in the literature in individuals affected with CUL3-related conditions. For these reasons, this variant has been classified as Pathogenic.

Literature cited by the submitters: PubMed 32341456.

NM_003590.5(CUL3):c.1105del (p.Thr369fs)

Gene: CUL3 (cullin 3; minus strand). Cytogenetic location: 2q36.2.
Variant type: Deletion.
Coding change: c.1105del on transcript NM_003590.5 (MANE Select); coding-DNA position 1105, one base deleted (A; older notation c.1105delA).
Protein change: p.Thr369fs; shifts the reading frame from threonine 369.
Molecular consequence: frameshift variant.
Genome position (GRCh38, 1-based): chr2:224,506,057, T deleted on the plus strand (A on the coding strand, the reverse complement: CUL3 is on the minus strand); the first of 3 consecutive T bases (chr2:224,506,057-224,506,059); deleting any one gives the same sequence. VCF-style (leftmost placement, unchanged base first): chr2-224506056-GT-G. GRCh37 (hg19) VCF-style: chr2-225370773-GT-G.
Other names: c.907del, p.Thr303fs (NM_001257197.2); c.1123del, p.Thr375fs (NM_001257198.2); short protein forms T303fs, T369fs, T375fs.
Identifiers: ClinVar variation 4730689 (VCV004730689.1).